The following is an entry in ClinVar:

ClinVar aggregate classification (germline): Conflicting classifications of pathogenicity. Review status: criteria provided, conflicting classifications (1 of 4 stars). 2 submissions from 1 submitter: Uncertain significance (1); Benign (1). Last evaluated 2018-01-12.

Conditions:
Hypoalphalipoproteinemia, primary, 1. Identifiers: Orphanet 425, MedGen C5231558, MONDO:0011393, OMIM 604091.
Tangier disease (TGD). Also called: HIGH DENSITY LIPOPROTEIN DEFICIENCY, TANGIER TYPE; HIGH DENSITY LIPOPROTEIN DEFICIENCY, TYPE 1; Cholesterol thesaurismosis. Identifiers: Orphanet 31150, MedGen C0039292, MONDO:0008783, OMIM 205400.

Allele frequency attached by ClinVar (database versions not stated): gnomAD 0.00010; TOPMed 0.00018; 1000 Genomes Project 30x 0.00047; 1000 Genomes Project 0.00060.

Submissions (2):

Illumina Laboratory Services, Illumina
Classification: Benign for Hypoalphalipoproteinemia, primary, 1. Last evaluated: 2018-01-12. Review status: criteria provided, single submitter. Criteria: ICSL Variant Classification Criteria 13 December 2019. Collection method: clinical testing. Allele origin: germline.
Comment: This variant was observed in the ICSL laboratory as part of a predisposition screen in an ostensibly healthy population. It had not been previously curated by ICSL or reported in the Human Gene Mutation Database (HGMD: prior to June 1st, 2018), and was therefore a candidate for classification through an automated scoring system. Utilizing variant allele frequency, disease prevalence and penetrance estimates, and inheritance mode, an automated score was calculated to assess if this variant is too frequent to cause the disease. Based on the score and internal cut-off values, a variant classified as benign is not then subjected to further curation. The score for this variant resulted in a classification of benign for this disease.

Illumina Laboratory Services, Illumina
Classification: Uncertain significance for Tangier disease. Last evaluated: 2018-01-12. Review status: criteria provided, single submitter. Criteria: ICSL Variant Classification Criteria 13 December 2019. Collection method: clinical testing. Allele origin: germline.

NM_005502.4(ABCA1):c.*2089G>A

Genes: ABCA1 (ATP binding cassette subfamily A member 1; minus strand), NIPSNAP3B (nipsnap homolog 3B; plus strand). Cytogenetic location: 9q31.1.
Variant type: single nucleotide variant.
Coding change: c.*2089G>A on transcript NM_005502.4 (MANE Select); 2089 bases downstream of the stop codon, G replaced by A.
Molecular consequence: 3 prime UTR variant.
Genome position (GRCh38, 1-based): chr9:104,782,226, C>T on the plus strand (G>A on the coding strand, the complement: ABCA1 is on the minus strand). VCF-style: chr9-104782226-C-T. GRCh37 (hg19) VCF-style: chr9-107544507-C-T.
Identifiers: ClinVar variation 364337 (VCV000364337.5), dbSNP rs146353431, ClinGen allele CA10628644.